The following is an entry in ClinVar:

NM_033641.4(COL4A6):c.3726C>T (p.Pro1242=)

Gene: COL4A6 (collagen type IV alpha 6 chain; minus strand). Cytogenetic location: Xq22.3.
Variant type: single nucleotide variant.
Coding change: c.3726C>T on transcript NM_033641.4 (MANE Select); coding-DNA position 3726, C replaced by T.
Protein change: p.Pro1242=; no amino-acid change (proline 1242 retained).
Molecular consequence: synonymous variant.
Genome position (GRCh38, 1-based): chrX:108,165,452, G>A on the plus strand (C>T on the coding strand, the complement: COL4A6 is on the minus strand). VCF-style: chrX-108165452-G-A. GRCh37 (hg19) VCF-style: chrX-107408682-G-A.
Other names: c.3777C>T, p.Pro1259= (NM_001287758.2); c.3654C>T, p.Pro1218= (NM_001287759.2, NM_001287760.2); c.3729C>T, p.Pro1243= (NM_001847.4).
Identifiers: ClinVar variation 3054728 (VCV003054728.2), dbSNP rs774981826, ClinGen allele CA10487351.

ClinVar aggregate classification (germline): Likely benign (0 of 4 stars; one submission).

Conditions:
COL4A6-related disorder. Also called: COL4A6-related condition.

Allele frequency attached by ClinVar (database versions not stated): ExAC 0.00002; gnomAD exomes 0.00002; gnomAD 0.00005.
gnomAD v4.1: 28 of 1,196,624 alleles (0.0023%); highest among the groups gnomAD compares: South Asian, 0.035%; no homozygotes.

Submission:

PreventionGenetics, part of Exact Sciences
Classification: Likely benign for COL4A6-related condition. Last evaluated: 2020-04-07. Review status: no assertion criteria provided. Collection method: clinical testing. Allele origin: germline.
Comment: This variant is classified as likely benign based on ACMG/AMP sequence variant interpretation guidelines (Richards et al. 2015 PMID: 25741868, with internal and published modifications).